The following is an entry in ClinVar:

NM_006904.7(PRKDC):c.2606A>G (p.Asn869Ser)

Gene: PRKDC (protein kinase, DNA-activated, catalytic subunit; minus strand). Cytogenetic location: 8q11.21.
Variant type: single nucleotide variant.
Coding change: c.2606A>G on transcript NM_006904.7 (MANE Select); coding-DNA position 2606, A replaced by G.
Protein change: p.Asn869Ser; replaces asparagine 869 with serine.
Molecular consequence: missense variant.
Genome position (GRCh38, 1-based): chr8:47,915,339, T>C on the plus strand (A>G on the coding strand, the complement: PRKDC is on the minus strand). VCF-style: chr8-47915339-T-C. GRCh37 (hg19) VCF-style: chr8-48827899-T-C.
Other names: c.2606A>G, p.Asn869Ser (NM_001081640.2); short protein forms N869S.
Identifiers: ClinVar variation 2560690 (VCV002560690.2), dbSNP rs2551877057, ClinGen allele CA371159778.

ClinVar aggregate classification (germline): Uncertain significance (1 of 4 stars; one submission).

Allele frequency attached by ClinVar (database versions not stated): gnomAD exomes below 0.00001.
gnomAD v4.1: 1 of 1,535,330 alleles (0.000065%); highest among the groups gnomAD compares: Non-Finnish European, 0.000089%; no homozygotes.

Submission:

Ambry Genetics
Classification: Uncertain significance. Last evaluated: 2023-04-29. Review status: criteria provided, single submitter. Criteria: Ambry Variant Classification Scheme 2023. Collection method: clinical testing. Allele origin: germline.
Comment: The p.N869S variant (also known as c.2606A>G), located in coding exon 23 of the PRKDC gene, results from an A to G substitution at nucleotide position 2606. The asparagine at codon 869 is replaced by serine, an amino acid with highly similar properties. This amino acid position is conserved. In addition, this alteration is predicted to be tolerated by in silico analysis. Since supporting evidence is limited at this time, the clinical significance of this alteration remains unclear.